The following continues an entry in ClinVar:

NM_007294.4(BRCA1):c.4389C>A (p.Tyr1463Ter)

Gene: BRCA1. ClinVar aggregate classification (germline): Pathogenic. Pathogenic (1).

Submissions 12 to 19 of 19:

Sema4
Classification: Pathogenic for Hereditary cancer-predisposing syndrome. Last evaluated: 2021-05-18. Review status: criteria provided, single submitter. Criteria: Sema4 Curation Guidelines. Collection method: curation. Allele origin: germline. Not counted in ClinVar's aggregate classification.
Comment: The BRCA1 c.4389C>A (p.Y1463*) variant has been reported in heterozygosity in numerous individuals with breast cancer and prostate cancer (PMID: 23704984, 28294317, 30797618, 29368341). This nonsense variant creates a premature stop codon at residue 1463 of the BRCA1 protein. This variant is not reported in the population database Genome Aggregation Database (PMID: 32461654). This variant has been reported in ClinVar (Variation ID: 55187). Based on the current evidence available, this variant is interpreted as pathogenic.

Laboratory for Molecular Medicine, Mass General Brigham Personalized Medicine
Classification: Pathogenic for Hereditary breast ovarian cancer syndrome. Last evaluated: 2017-01-27. Review status: criteria provided, single submitter. Criteria: ACMG Guidelines, 2015. Collection method: clinical testing. Allele origin: germline. Inheritance: Autosomal dominant inheritance. Not counted in ClinVar's aggregate classification.
Comment: The p.Tyr1463X variant in BRCA1 has been reported in multiple individuals with BRCA1-associated cancers (Tung 2010, Larsen 2013, Breast Cancer Information Core (BIC) database). It was absent from large population studies. This nonsense variant leads to a premature termination codon at position 1463, which is predicted to lead to a truncated or absent protein. Heterozygous loss of function of the BRCA1 gene is an established disease mechanism in hereditary breast and ovarian cancer (HBOC). In addition, this variant was classified as Pathogenic on September 8, 2016 by the ClinGen-approved ENIGMA expert panel (ClinVar SCV000300113.2). In summary, this variant meets criteria to be classified as pathogenic for HBOC in an autosomal dominant manner.

Quest Diagnostics Nichols Institute San Juan Capistrano
Classification: Pathogenic. Last evaluated: 2016-05-27. Review status: criteria provided, single submitter. Criteria: Quest Diagnostics criteria. Collection method: clinical testing. Allele origin: unknown. Not counted in ClinVar's aggregate classification.
Comment: The BRCA1 c.4389C>A (p.Tyr1463*) variant causes the premature termination of BRCA1 protein synthesis. In the published literature, this variant has been reported in individuals with breast cancer (PMIDs: 28294317 (2017), 26740214 (2016), 21080930 (2010)), and shown to have deleterious effects on BRCA1 protein function (PMID: 25400221 (2014)). This variant has not been reported in large, multi-ethnic general populations (Genome Aggregation Database). Based on the available information, this variant is classified as pathogenic.

Consortium of Investigators of Modifiers of BRCA1/2 (CIMBA), c/o University of Cambridge
Classification: Pathogenic for Breast-ovarian cancer, familial, susceptibility to, 1. Last evaluated: 2015-10-02. Review status: criteria provided, single submitter. Criteria: CIMBA Mutation Classification guidelines May 2016. Collection method: clinical testing. Allele origin: germline. Not counted in ClinVar's aggregate classification.

Molecular Endocrinology Laboratory, Christian Medical College
Classification: Pathogenic for Breast-ovarian cancer, familial, susceptibility to, 1. Review status: criteria provided, single submitter. Criteria: ACMG Guidelines, 2015. Collection method: clinical testing. Allele origin: germline. Affected: yes. Not counted in ClinVar's aggregate classification.

Counsyl
Classification: Pathogenic for Breast-ovarian cancer, familial, susceptibility to, 1. Last evaluated: 2017-05-17. Review status: no assertion criteria provided. Collection method: clinical testing. Allele origin: unknown. Not counted in ClinVar's aggregate classification.

Sharing Clinical Reports Project (SCRP)
Classification: Pathogenic for Breast-ovarian cancer, familial 1. Last evaluated: 2013-09-04. Review status: no assertion criteria provided. Collection method: clinical testing. Allele origin: germline. Not counted in ClinVar's aggregate classification.

Breast Cancer Information Core (BIC) (BRCA1)
Classification: Pathogenic for Breast-ovarian cancer, familial 1. Last evaluated: 2004-02-20. Review status: no assertion criteria provided. Collection method: clinical testing. Allele origin: germline. Affected: yes. Observed: 4 variant alleles. Not counted in ClinVar's aggregate classification.

Literature cited by the submitters: PubMed 20104584 (cited by Labcorp Genetics (formerly Invitae), Labcorp); PubMed 12491487 (cited by 5 submitters); PubMed 21993507 (cited by 5 submitters); PubMed 23704984 (cited by 6 submitters); PubMed 29446198 (cited by Center for Genomic Medicine, Rigshospitalet, Copenhagen University Hospital and Ambry Genetics); PubMed 18465347 (cited by 3 submitters); PubMed 21080930 (cited by 4 submitters); PubMed 28294317 (cited by 5 submitters); PubMed 29368341 (cited by 4 submitters); PubMed 30797618 (cited by Sema4); PubMed 25400221 (cited by Laboratory for Molecular Medicine, Mass General Brigham Personalized Medicine and Quest Diagnostics Nichols Institute San Juan Capistrano); PubMed 26740214 (cited by Quest Diagnostics Nichols Institute San Juan Capistrano); PubMed 26295337 (cited by Quest Diagnostics Nichols Institute San Juan Capistrano); PubMed 16267036 (cited by Counsyl).